The following is an entry in ClinVar:

ClinVar aggregate classification (germline): Uncertain significance (1 of 4 stars; one submission).

Allele frequency attached by ClinVar (database versions not stated): gnomAD exomes 0.00001; TOPMed 0.00001; ExAC 0.00002; gnomAD 0.00003.

Submission:

Ambry Genetics
Classification: Uncertain significance. Last evaluated: 2024-03-31. Review status: criteria provided, single submitter. Criteria: Ambry Variant Classification Scheme 2023. Collection method: clinical testing. Allele origin: germline.
Comment: The p.R317C variant (also known as c.949C>T), located in coding exon 6 of the IDH1 gene, results from a C to T substitution at nucleotide position 949. The arginine at codon 317 is replaced by cysteine, an amino acid with highly dissimilar properties. This amino acid position is conserved. In addition, this alteration is predicted to be deleterious by in silico analysis. Since supporting evidence is limited at this time, the clinical significance of this alteration remains unclear.

NM_005896.4(IDH1):c.949C>T (p.Arg317Cys)

Gene: IDH1 (isocitrate dehydrogenase (NADP(+)) 1; minus strand). Cytogenetic location: 2q34.
Variant type: single nucleotide variant.
Coding change: c.949C>T on transcript NM_005896.4 (MANE Select); coding-DNA position 949, C replaced by T.
Protein change: p.Arg317Cys; replaces arginine 317 with cysteine.
Molecular consequence: missense variant.
Genome position (GRCh38, 1-based): chr2:208,239,905, G>A on the plus strand (C>T on the coding strand, the complement: IDH1 is on the minus strand). VCF-style: chr2-208239905-G-A. GRCh37 (hg19) VCF-style: chr2-209104629-G-A.
Other names: c.949C>T, p.Arg317Cys (NM_001282386.1, NM_001282387.1); short protein forms R317C.
Identifiers: ClinVar variation 1767138 (VCV001767138.3), dbSNP rs754290687, ClinGen allele CA2078859.
Genomic context (GRCh38, chr2:208,239,905, plus strand): 5'-ATGTAAACACCATCTTACCAATGGGATTGGTGGACGTCTCCTGTCCTTTCTGGTACATGC[G>A]GTAGTGACGGGTTACAGTCCCGTGGGCAGCCTCTGCTTCTACTGTCTTGCCATCTGGACA-3'
Protein context (NP_005887.2, residues 307-327): AAHGTVTRHY[Arg317Cys]MYQKGQETST